The following is an entry in ClinVar:

NM_005909.5(MAP1B):c.2610T>A (p.Thr870=)

Gene: MAP1B (microtubule associated protein 1B; plus strand). Cytogenetic location: 5q13.2.
Variant type: single nucleotide variant.
Coding change: c.2610T>A on transcript NM_005909.5 (MANE Select); coding-DNA position 2610, T replaced by A.
Protein change: p.Thr870=; no amino-acid change (threonine 870 retained).
Molecular consequence: synonymous variant.
Genome position (GRCh38, 1-based): chr5:72,195,965, T>A. VCF-style: chr5-72195965-T-A. GRCh37 (hg19) VCF-style: chr5-71491792-T-A.
Other names: c.2232T>A, p.Thr744= (NM_001324255.2).
Identifiers: ClinVar variation 4978660 (VCV004978660.1).
Genomic context (GRCh38, chr5:72,195,965, plus strand): 5'-AACAAAGGACATCAAGCCTCAGCTGGAGCTAATCGAAGACGAAGAGAAACTGAAGGAAAC[T>A]GAGCCAGTCGAAGCCTACGTCATCCAGAAGGAGAGAGAAGTCACCAAAGGTCCTGCCGAG-3'
Protein context (NP_005900.2, residues 860-880): LIEDEEKLKE[Thr870=]EPVEAYVIQK

ClinVar aggregate classification (germline): Likely benign (1 of 4 stars; one submission).

Conditions:
MAP1B-related disorder. Also called: MAP1B-related condition.

Submission:

PreventionGenetics, part of Exact Sciences
Classification: Likely benign for MAP1B-related condition. Last evaluated: 2026-07-15. Review status: criteria provided, single submitter. Criteria: ACMG Guidelines, 2015. Collection method: clinical testing. Allele origin: germline.
Comment: This variant is classified as likely benign based on ACMG/AMP sequence variant interpretation guidelines (Richards et al. 2015 PMID: 25741868, with internal and published modifications).